The following is an entry in ClinVar:

NM_198994.3(TGM6):c.1171G>A (p.Val391Met)

Gene: TGM6 (transglutaminase 6; plus strand). Cytogenetic location: 20p13.
Variant type: single nucleotide variant.
Coding change: c.1171G>A on transcript NM_198994.3 (MANE Select); coding-DNA position 1171, G replaced by A.
Protein change: p.Val391Met; replaces valine 391 with methionine.
Molecular consequence: missense variant.
Genome position (GRCh38, 1-based): chr20:2,403,658, G>A. VCF-style: chr20-2403658-G-A. GRCh37 (hg19) VCF-style: chr20-2384304-G-A.
Other names: c.1171G>A, p.Val391Met (NM_001254734.2); short protein forms V391M.
Identifiers: ClinVar variation 337923 (VCV000337923.40), dbSNP rs116904482, ClinGen allele CA9732000.

ClinVar aggregate classification (germline): Benign. Review status: criteria provided, multiple submitters, no conflicts (2 of 4 stars). 5 submissions from 5 submitters: Benign (4). 1 of the submissions does not count toward it. Last evaluated 2026-01-01.

Conditions:
Spinocerebellar ataxia type 35. Identifiers: Orphanet 276193, MedGen C3888031, MONDO:0013485, OMIM 613908.

Allele frequency attached by ClinVar (database versions not stated): gnomAD 0.00026 and 0.00038; TOPMed 0.00114; 1000 Genomes Project 30x 0.00187; 1000 Genomes Project 0.00200.
gnomAD v4.1: 530 of 1,614,162 alleles (0.033%); highest among the groups gnomAD compares: East Asian, 0.92%; 8 homozygotes.

Submissions (5):

CeGaT Center for Human Genetics Tuebingen
Classification: Benign. Last evaluated: 2026-01-01. Review status: criteria provided, single submitter. Criteria: CeGaT Center For Human Genetics Tuebingen Variant Classification Criteria Version 2. Collection method: clinical testing. Allele origin: germline. Affected: yes. Observed: 1 variant allele.
Comment: TGM6: BS1, BS2

Labcorp Genetics (formerly Invitae), Labcorp
Classification: Benign. Last evaluated: 2024-06-17. Review status: criteria provided, single submitter. Criteria: Invitae Variant Classification Sherloc (09022015). Collection method: clinical testing. Allele origin: germline.

Athena Diagnostics
Classification: Benign. Last evaluated: 2023-11-15. Review status: criteria provided, single submitter. Criteria: Athena Diagnostics Criteria. Collection method: clinical testing. Allele origin: unknown.

Illumina Laboratory Services, Illumina
Classification: Benign for Spinocerebellar ataxia type 35. Last evaluated: 2018-01-12. Review status: criteria provided, single submitter. Criteria: ICSL Variant Classification Criteria 13 December 2019. Collection method: clinical testing. Allele origin: germline.
Comment: This variant was observed in the ICSL laboratory as part of a predisposition screen in an ostensibly healthy population. It had not been previously curated by ICSL or reported in the Human Gene Mutation Database (HGMD: prior to June 1st, 2018), and was therefore a candidate for classification through an automated scoring system. Utilizing variant allele frequency, disease prevalence and penetrance estimates, and inheritance mode, an automated score was calculated to assess if this variant is too frequent to cause the disease. Based on the score and internal cut-off values, a variant classified as benign is not then subjected to further curation. The score for this variant resulted in a classification of benign for this disease.

O&I group, Department of Genetics, University Medical Center of Groningen
Classification: Uncertain significance for Spinocerebellar ataxia type 35. Last evaluated: 2021-07-22. Review status: no assertion criteria provided. Collection method: research. Allele origin: unknown. Not counted in ClinVar's aggregate classification.

Literature cited by the submitters: PubMed 28934387 (cited by Athena Diagnostics); PubMed 30670339 (cited by Athena Diagnostics); PubMed 35401678 (cited by Athena Diagnostics); PubMed 32259886 (cited by Athena Diagnostics); PubMed 33378849 (cited by Athena Diagnostics); PubMed 33160304 (cited by Athena Diagnostics); PubMed 33588035 (cited by Athena Diagnostics); DOI 10.3389/fgene.2022.782685 (cited by O&I group, Department of Genetics, University Medical Center of Groningen).